The following is an entry in ClinVar:

NM_005732.4(RAD50):c.3202A>G (p.Lys1068Glu)

Gene: RAD50 (RAD50 double strand break repair protein; plus strand). Cytogenetic location: 5q31.1.
Variant type: single nucleotide variant.
Coding change: c.3202A>G on transcript NM_005732.4 (MANE Select); coding-DNA position 3202, A replaced by G.
Protein change: p.Lys1068Glu; replaces lysine 1068 with glutamic acid.
Molecular consequence: missense variant.
Genome position (GRCh38, 1-based): chr5:132,618,107, A>G. VCF-style: chr5-132618107-A-G. GRCh37 (hg19) VCF-style: chr5-131953799-A-G.
Other names: short protein forms K1068E.
Identifiers: ClinVar variation 3942209 (VCV003942209.1).

ClinVar aggregate classification (germline): Uncertain significance (1 of 4 stars; one submission).

Conditions:
Hereditary cancer-predisposing syndrome. Also called: Tumor predisposition; Hereditary neoplastic syndrome; Hereditary Cancer Syndrome; Neoplastic Syndromes, Hereditary. Identifiers: Orphanet 140162, MedGen C0027672, MeSH D009386, MONDO:0015356.

Submission:

Ambry Genetics
Classification: Uncertain significance for Hereditary cancer-predisposing syndrome. Last evaluated: 2025-06-02. Review status: criteria provided, single submitter. Criteria: Ambry Variant Classification Scheme 2023. Collection method: clinical testing. Allele origin: germline.
Comment: The p.K1068E variant (also known as c.3202A>G), located in coding exon 21 of the RAD50 gene, results from an A to G substitution at nucleotide position 3202. The lysine at codon 1068 is replaced by glutamic acid, an amino acid with similar properties. This amino acid position is conserved. In addition, this alteration is predicted to be deleterious by in silico analysis. Based on the available evidence, the clinical significance of this variant remains unclear.